The following is an entry in ClinVar:

NM_005236.3(ERCC4):c.1648C>T (p.Pro550Ser)

Gene: ERCC4 (ERCC excision repair 4, endonuclease catalytic subunit; plus strand). Cytogenetic location: 16p13.12.
Variant type: single nucleotide variant.
Coding change: c.1648C>T on transcript NM_005236.3 (MANE Select); coding-DNA position 1648, C replaced by T.
Protein change: p.Pro550Ser; replaces proline 550 with serine.
Molecular consequence: missense variant.
Genome position (GRCh38, 1-based): chr16:13,935,580, C>T. VCF-style: chr16-13935580-C-T. GRCh37 (hg19) VCF-style: chr16-14029437-C-T.
Other names: short protein forms P550S.
Identifiers: ClinVar variation 946529 (VCV000946529.9), dbSNP rs139197943, ClinGen allele CA7910506.

ClinVar aggregate classification (germline): Uncertain significance. Review status: criteria provided, multiple submitters, no conflicts (2 of 4 stars). 2 submissions from 2 submitters: Uncertain significance (2). Last evaluated 2026-01-12.

Conditions:
Fanconi anemia complementation group Q. Identifiers: Orphanet 84, MedGen C3808988, MONDO:0014108, OMIM 615272.
Xeroderma pigmentosum, group F (XPF). Also called: XERODERMA PIGMENTOSUM, COMPLEMENTATION GROUP F; ERCC4-Related Xeroderma Pigmentosum; XERODERMA PIGMENTOSUM VI; XP, GROUP F; XERODERMA PIGMENTOSUM, TYPE F; Xeroderma pigmentosum, type 6. Identifiers: MedGen C0268140, MONDO:0010215, OMIM 278760.
Cockayne syndrome. Identifiers: Orphanet 191, MedGen C0009207, MONDO:0016006.

Allele frequency attached by ClinVar (database versions not stated): ExAC 0.00001; gnomAD exomes 0.00001; TOPMed 0.00002; gnomAD 0.00003 and 0.00004; ESP Exome Variant Server 0.00008.

Submissions (2):

Women's Health and Genetics/Laboratory Corporation of America, LabCorp
Classification: Uncertain significance. Last evaluated: 2026-01-12. Review status: criteria provided, single submitter. Criteria: LabCorp Variant Classification Summary - May 2015. Collection method: clinical testing. Allele origin: germline.
Comment: Variant summary: ERCC4 c.1648C>T (p.Pro550Ser) results in a non-conservative amino acid change in the encoded protein sequence. Algorithms developed to predict the effect of missense changes on protein structure and function are either unavailable or do not agree on the potential impact of this missense change. The variant allele was found at a frequency of 1.2e-05 in 251316 control chromosomes. The available data on variant occurrences in the general population are insufficient to allow any conclusion about variant significance. c.1648C>T has been observed in individual(s) affected with head and neck squamous cell carcinoma (e.g. Chandrasekharappa_2018). These report(s) do not provide unequivocal conclusions about association of the variant with Xeroderma Pigmentosum. To our knowledge, no experimental evidence demonstrating an impact on protein function has been reported. The following publication has been ascertained in the context of this evaluation (PMID: 28678401). ClinVar contains an entry for this variant (Variation ID: 946529). Based on the evidence outlined above, the variant was classified as uncertain significance.

Labcorp Genetics (formerly Invitae), Labcorp
Classification: Uncertain significance for Fanconi anemia complementation group Q; Xeroderma pigmentosum, group F; Cockayne syndrome. Last evaluated: 2022-05-15. Review status: criteria provided, single submitter. Criteria: Invitae Variant Classification Sherloc (09022015). Collection method: clinical testing. Allele origin: germline.
Comment: This sequence change replaces proline, which is neutral and non-polar, with serine, which is neutral and polar, at codon 550 of the ERCC4 protein (p.Pro550Ser). This variant is present in population databases (rs139197943, gnomAD 0.01%). This missense change has been observed in individual(s) with head and neck squamous cell carcinoma (PMID: 28678401). ClinVar contains an entry for this variant (Variation ID: 946529). Algorithms developed to predict the effect of missense changes on protein structure and function are either unavailable or do not agree on the potential impact of this missense change (SIFT: "Tolerated"; PolyPhen-2: "Possibly Damaging"; Align-GVGD: "Class C0"). In summary, the available evidence is currently insufficient to determine the role of this variant in disease. Therefore, it has been classified as a Variant of Uncertain Significance.

Literature cited by the submitters: PubMed 28678401 (cited by Women's Health and Genetics/Laboratory Corporation of America, LabCorp and Labcorp Genetics (formerly Invitae), Labcorp).